The following is an entry in ClinVar:

NM_032608.7(MYO18B):c.2142C>T (p.Ala714=)

Gene: MYO18B (myosin XVIIIB; plus strand). Cytogenetic location: 22q12.1.
Variant type: single nucleotide variant.
Coding change: c.2142C>T on transcript NM_032608.7 (MANE Select); coding-DNA position 2142, C replaced by T.
Protein change: p.Ala714=; no amino-acid change (alanine 714 retained).
Molecular consequence: synonymous variant.
Genome position (GRCh38, 1-based): chr22:25,780,129, C>T. VCF-style: chr22-25780129-C-T. GRCh37 (hg19) VCF-style: chr22-26176096-C-T.
Other names: c.2142C>T, p.Ala714= (NM_001318245.2); c.2142C>T (NM_032608.6).
Identifiers: ClinVar variation 1594922 (VCV001594922.10), dbSNP rs376333075, ClinGen allele CA10160065.

ClinVar aggregate classification (germline): Likely benign. Review status: criteria provided, multiple submitters, no conflicts (2 of 4 stars). 3 submissions from 3 submitters: Likely benign (3). Last evaluated 2026-05-27.

Conditions:
MYO18B-related disorder. Also called: MYO18B-related condition.

Allele frequency attached by ClinVar (database versions not stated): gnomAD 0.00007 and 0.00009; TOPMed 0.00010; gnomAD exomes 0.00015 and 0.00019; ESP Exome Variant Server 0.00016; ExAC 0.00034.
gnomAD v4.1: 230 of 1,605,112 alleles (0.014%); highest among the groups gnomAD compares: Middle Eastern, 0.12%; no homozygotes.

Submissions (3):

PreventionGenetics, part of Exact Sciences
Classification: Likely benign for MYO18B-related condition. Last evaluated: 2026-05-27. Review status: criteria provided, single submitter. Criteria: ACMG Guidelines, 2015. Collection method: clinical testing. Allele origin: germline.
Comment: This variant is classified as likely benign based on ACMG/AMP sequence variant interpretation guidelines (Richards et al. 2015 PMID: 25741868, with internal and published modifications).

Labcorp Genetics (formerly Invitae), Labcorp
Classification: Likely benign. Last evaluated: 2025-06-03. Review status: criteria provided, single submitter. Criteria: Invitae Variant Classification Sherloc (09022015). Collection method: clinical testing. Allele origin: germline.

Blueprint Genetics
Classification: Likely benign. Last evaluated: 2024-11-05. Review status: criteria provided, single submitter. Criteria: ACMG Guidelines, 2015. Collection method: clinical testing. Allele origin: germline.